The following is an entry in ClinVar:

ClinVar aggregate classification (germline): Uncertain significance (1 of 4 stars; one submission).

Conditions:
Primary ciliary dyskinesia. Also called: Ciliary dyskinesia. Identifiers: Orphanet 244, MedGen C0008780, MONDO:0016575, HP:0012265.

Submission:

Labcorp Genetics (formerly Invitae), Labcorp
Classification: Uncertain significance for Primary ciliary dyskinesia. Last evaluated: 2023-01-14. Review status: criteria provided, single submitter. Criteria: Invitae Variant Classification Sherloc (09022015). Collection method: clinical testing. Allele origin: unknown.
Comment: In summary, the available evidence is currently insufficient to determine the role of this variant in disease. Therefore, it has been classified as a Variant of Uncertain Significance. Experimental studies and prediction algorithms are not available or were not evaluated, and the functional significance of this variant is currently unknown. This variant has not been reported in the literature in individuals affected with RPGR-related conditions. This variant results in a copy number gain of the genomic region encompassing exon(s) 8-11 of the RPGR gene. While the exact position of this variant cannot be determined from the data, sub-genic copy number gains are generally in tandem (PMID: 25640679). This variant is predicted to be in-frame, and likely preserves the integrity of the reading frame.

Literature cited by the submitters: PubMed 25640679.

NC_000023.10:g.(?_38156517)_(38164063_?)dup

Gene: RPGR (retinitis pigmentosa GTPase regulator; minus strand). Cytogenetic location: Xp11.4.
Variant type: Duplication.
Identifiers: ClinVar variation 3248096 (VCV003248096.1).